The following is an entry in ClinVar:

NM_015466.4(PTPN23):c.4846G>A (p.Ala1616Thr)

Gene: PTPN23 (protein tyrosine phosphatase non-receptor type 23; plus strand). Cytogenetic location: 3p21.31.
Variant type: single nucleotide variant.
Coding change: c.4846G>A on transcript NM_015466.4 (MANE Select); coding-DNA position 4846, G replaced by A.
Protein change: p.Ala1616Thr; replaces alanine 1616 with threonine.
Molecular consequence: missense variant.
Genome position (GRCh38, 1-based): chr3:47,413,120, G>A. VCF-style: chr3-47413120-G-A. GRCh37 (hg19) VCF-style: chr3-47454610-G-A.
Other names: c.4468G>A, p.Ala1490Thr (NM_001304482.2); short protein forms A1616T, A1490T.
Identifiers: ClinVar variation 2055268 (VCV002055268.4), dbSNP rs2546262204, ClinGen allele CA352569253.
Genomic context (GRCh38, chr3:47,413,120, plus strand): 5'-GGCAAACAGCGGATGAGCAAGCATAACTTTCTGCAGGCCCATAACGGGCAAGGGCTGCGG[G>A]CCACCCGGCCCTCTGACGACCCCCTCAGCCTTCTGGATCCACTCTGGACACTCAACAAGA-3'
Protein context (NP_056281.1, residues 1606-1626): LQAHNGQGLR[Ala1616Thr]TRPSDDPLSL

ClinVar aggregate classification (germline): Uncertain significance (1 of 4 stars; one submission).

Submission:

Labcorp Genetics (formerly Invitae), Labcorp
Classification: Uncertain significance. Last evaluated: 2022-03-05. Review status: criteria provided, single submitter. Criteria: Invitae Variant Classification Sherloc (09022015). Collection method: clinical testing. Allele origin: germline.
Comment: This sequence change replaces alanine, which is neutral and non-polar, with threonine, which is neutral and polar, at codon 1616 of the PTPN23 protein (p.Ala1616Thr). This variant is not present in population databases (gnomAD no frequency). This variant has not been reported in the literature in individuals affected with PTPN23-related conditions. Algorithms developed to predict the effect of missense changes on protein structure and function are either unavailable or do not agree on the potential impact of this missense change (SIFT: "Tolerated"; PolyPhen-2: "Not Available"; Align-GVGD: "Class C0"). In summary, the available evidence is currently insufficient to determine the role of this variant in disease. Therefore, it has been classified as a Variant of Uncertain Significance.